The following is an entry in ClinVar:

ClinVar aggregate classification (germline): Uncertain significance. Review status: criteria provided, multiple submitters, no conflicts (2 of 4 stars). 2 submissions from 2 submitters: Uncertain significance (2). Last evaluated 2024-01-03.

Conditions:
Inborn genetic diseases. Identifiers: MedGen C0950123, MeSH D030342.
MOGS-congenital disorder of glycosylation. Also called: GLUCOSIDASE I DEFICIENCY; CDG 2B; CDG IIb; MOGS-CDG. Identifiers: Orphanet 79330, MedGen C1853736, MONDO:0011629, OMIM 606056.

Allele frequency attached by ClinVar (database versions not stated): gnomAD exomes below 0.00001; ExAC 0.00001; gnomAD 0.00002; TOPMed 0.00003; ESP Exome Variant Server 0.00008.

Submissions (2):

Ambry Genetics
Classification: Uncertain significance for Inborn genetic diseases. Last evaluated: 2024-01-03. Review status: criteria provided, single submitter. Criteria: Ambry Variant Classification Scheme 2023. Collection method: clinical testing. Allele origin: germline.

Labcorp Genetics (formerly Invitae), Labcorp
Classification: Uncertain significance for MOGS-congenital disorder of glycosylation. Last evaluated: 2022-06-22. Review status: criteria provided, single submitter. Criteria: Invitae Variant Classification Sherloc (09022015). Collection method: clinical testing. Allele origin: germline.
Comment: This sequence change replaces threonine, which is neutral and polar, with serine, which is neutral and polar, at codon 358 of the MOGS protein (p.Thr358Ser). This variant is present in population databases (rs371692461, gnomAD 0.0009%). This variant has not been reported in the literature in individuals affected with MOGS-related conditions. ClinVar contains an entry for this variant (Variation ID: 573840). Algorithms developed to predict the effect of missense changes on protein structure and function output the following: SIFT: "Tolerated"; PolyPhen-2: "Benign"; Align-GVGD: "Class C0". The serine amino acid residue is found in multiple mammalian species, which suggests that this missense change does not adversely affect protein function. In summary, the available evidence is currently insufficient to determine the role of this variant in disease. Therefore, it has been classified as a Variant of Uncertain Significance.

NM_006302.3(MOGS):c.1072A>T (p.Thr358Ser)

Gene: MOGS (mannosyl-oligosaccharide glucosidase; minus strand). Cytogenetic location: 2p13.1.
Variant type: single nucleotide variant.
Coding change: c.1072A>T on transcript NM_006302.3 (MANE Select); coding-DNA position 1072, A replaced by T.
Protein change: p.Thr358Ser; replaces threonine 358 with serine.
Molecular consequence: missense variant.
Genome position (GRCh38, 1-based): chr2:74,462,717, T>A on the plus strand (A>T on the coding strand, the complement: MOGS is on the minus strand). VCF-style: chr2-74462717-T-A. GRCh37 (hg19) VCF-style: chr2-74689844-T-A.
Other names: c.1072A>T, p.Thr358Ser (LRG_1226t1); c.754A>T, p.Thr252Ser (NM_001146158.2); short protein forms T358S, T252S.
Identifiers: ClinVar variation 573840 (VCV000573840.7), dbSNP rs371692461, ClinGen allele CA1724854.